The following is an entry in ClinVar:

ClinVar aggregate classification (germline): Likely benign. Review status: criteria provided, multiple submitters, no conflicts (2 of 4 stars). 2 submissions from 2 submitters: Likely benign (2). Last evaluated 2025-03-01.

Conditions:
Christianson syndrome (MRXSCH). Also called: INTELLECTUAL DEVELOPMENTAL DISORDER, X-LINKED, SYNDROMIC, CHRISTIANSON TYPE; SLC9A6-Related Syndromic Mental Retardation; X-linked mental retardation, syndromic, Christianson type. Identifiers: Orphanet 85278, MedGen C2678194, MONDO:0010278, OMIM 300243.

Allele frequency attached by ClinVar (database versions not stated): gnomAD exomes below 0.00001.
gnomAD v4.1: 1 of 1,211,412 alleles (0.000083%); highest among the groups gnomAD compares: Admixed American, 0.0022%; no homozygotes.

Submissions (2):

CeGaT Center for Human Genetics Tuebingen
Classification: Likely benign. Last evaluated: 2025-03-01. Review status: criteria provided, single submitter. Criteria: CeGaT Center For Human Genetics Tuebingen Variant Classification Criteria Version 2. Collection method: clinical testing. Allele origin: germline. Affected: yes. Observed: 1 variant allele.
Comment: SLC9A6: BP4, BP7

Labcorp Genetics (formerly Invitae), Labcorp
Classification: Likely benign for Christianson syndrome. Last evaluated: 2024-10-23. Review status: criteria provided, single submitter. Criteria: Invitae Variant Classification Sherloc (09022015). Collection method: clinical testing. Allele origin: germline.

NM_001379110.1(SLC9A6):c.1869A>T (p.Thr623=)

Gene: SLC9A6 (solute carrier family 9 member A6; plus strand). Cytogenetic location: Xq26.3.
Variant type: single nucleotide variant.
Coding change: c.1869A>T on transcript NM_001379110.1 (MANE Select); coding-DNA position 1869, A replaced by T.
Protein change: p.Thr623=; no amino-acid change (threonine 623 retained).
Molecular consequence: synonymous variant.
Genome position (GRCh38, 1-based): chrX:136,044,553, A>T. VCF-style: chrX-136044553-A-T. GRCh37 (hg19) VCF-style: chrX-135126712-A-T.
Other names: c.1935A>T, p.Thr645= (NM_001042537.2); c.1779A>T, p.Thr593= (NM_001177651.2); c.1683A>T, p.Thr561= (NM_001330652.2); c.1839A>T, p.Thr613= (NM_006359.3).
Identifiers: ClinVar variation 1602153 (VCV001602153.15), dbSNP rs2071565905, ClinGen allele CA518762328.